The following is an entry in ClinVar:

ClinVar aggregate classification (germline): Uncertain significance (1 of 4 stars; one submission).

gnomAD v4.1: 2 of 1,599,996 alleles (0.00013%); highest among the groups gnomAD compares: East Asian, 0.0022%; no homozygotes.

Submission:

Women's Health and Genetics/Laboratory Corporation of America, LabCorp
Classification: Uncertain significance. Last evaluated: 2024-07-02. Review status: criteria provided, single submitter. Criteria: LabCorp Variant Classification Summary - May 2015. Collection method: clinical testing. Allele origin: germline.
Comment: Variant summary: MAPK8IP3 c.3035T>C (p.Val1012Ala) results in a non-conservative amino acid change in the encoded protein sequence. Three of five in-silico tools predict a damaging effect of the variant on protein function. The variant was absent in 237550 control chromosomes. The available data on variant occurrences in the general population are insufficient to allow any conclusion about variant significance. To our knowledge, no occurrence of c.3035T>C in individuals affected with Neurodevelopmental Disorder With Or Without Variable Brain Abnormalities; NEDBA and no experimental evidence demonstrating its impact on protein function have been reported. No submitters have cited clinical-significance assessments for this variant to ClinVar. Based on the evidence outlined above, the variant was classified as uncertain significance.

NM_001318852.2(MAPK8IP3):c.3038T>C (p.Val1013Ala)

Gene: MAPK8IP3 (mitogen-activated protein kinase 8 interacting protein 3; plus strand). Cytogenetic location: 16p13.3.
Variant type: single nucleotide variant.
Coding change: c.3038T>C on transcript NM_001318852.2 (MANE Select); coding-DNA position 3038, T replaced by C.
Protein change: p.Val1013Ala; replaces valine 1013 with alanine.
Molecular consequence: missense variant.
Genome position (GRCh38, 1-based): chr16:1,766,921, T>C. VCF-style: chr16-1766921-T-C. GRCh37 (hg19) VCF-style: chr16-1816922-T-C.
Other names: c.3017T>C, p.Val1006Ala (NM_001040439.2); c.3035T>C, p.Val1012Ala (NM_015133.5); short protein forms V1006A, V1012A, V1013A.
Identifiers: ClinVar variation 3339189 (VCV003339189.1).